The following is an entry in ClinVar:

NM_006915.3(RP2):c.410T>C (p.Ile137Thr)

Gene: RP2 (RP2 activator of ARL3 GTPase; plus strand). Cytogenetic location: Xp11.3.
Variant type: single nucleotide variant.
Coding change: c.410T>C on transcript NM_006915.3 (MANE Select); coding-DNA position 410, T replaced by C.
Protein change: p.Ile137Thr; replaces isoleucine 137 with threonine.
Molecular consequence: missense variant.
Genome position (GRCh38, 1-based): chrX:46,853,783, T>C. VCF-style: chrX-46853783-T-C. GRCh37 (hg19) VCF-style: chrX-46713218-T-C.
Other names: short protein forms I137T.
Identifiers: ClinVar variation 1498768 (VCV001498768.6), dbSNP rs2147081342, ClinGen allele CA413039690.

ClinVar aggregate classification (germline): Uncertain significance (1 of 4 stars; one submission).

Allele frequency attached by ClinVar (database versions not stated): gnomAD exomes below 0.00001.

Submission:

Labcorp Genetics (formerly Invitae), Labcorp
Classification: Uncertain significance. Last evaluated: 2021-10-29. Review status: criteria provided, single submitter. Criteria: Invitae Variant Classification Sherloc (09022015). Collection method: clinical testing. Allele origin: germline.
Comment: Algorithms developed to predict the effect of missense changes on protein structure and function (SIFT, PolyPhen-2, Align-GVGD) all suggest that this variant is likely to be disruptive. In summary, the available evidence is currently insufficient to determine the role of this variant in disease. Therefore, it has been classified as a Variant of Uncertain Significance. This variant has not been reported in the literature in individuals affected with RP2-related conditions. This sequence change replaces isoleucine, which is neutral and non-polar, with threonine, which is neutral and polar, at codon 137 of the RP2 protein (p.Ile137Thr). This variant is not present in population databases (gnomAD no frequency).